The following is an entry in ClinVar:

ClinVar aggregate classification (germline): Likely benign. Review status: criteria provided, multiple submitters, no conflicts (2 of 4 stars). 2 submissions from 2 submitters: Likely benign (2). Last evaluated 2026-01-05.

Conditions:
TUB-related disorder. Also called: TUB-related condition.

Allele frequency attached by ClinVar (database versions not stated): gnomAD 0.00001.
gnomAD v4.1: 6 of 1,612,346 alleles (0.00037%); highest among the groups gnomAD compares: Admixed American, 0.01%; no homozygotes.

Submissions (2):

Labcorp Genetics (formerly Invitae), Labcorp
Classification: Likely benign. Last evaluated: 2026-01-05. Review status: criteria provided, single submitter. Criteria: Invitae Variant Classification Sherloc (09022015). Collection method: clinical testing. Allele origin: germline.

PreventionGenetics, part of Exact Sciences
Classification: Likely benign for TUB-related condition. Last evaluated: 2024-10-22. Review status: criteria provided, single submitter. Criteria: ACMG Guidelines, 2015. Collection method: clinical testing. Allele origin: germline.
Comment: This variant is classified as likely benign based on ACMG/AMP sequence variant interpretation guidelines (Richards et al. 2015 PMID: 25741868, with internal and published modifications).

NM_177972.3(TUB):c.1215+8T>C

Genes: RIC3 (RIC3 acetylcholine receptor chaperone; minus strand), TUB (TUB bipartite transcription factor; plus strand). Cytogenetic location: 11p15.4.
Variant type: single nucleotide variant.
Coding change: c.1215+8T>C on transcript NM_177972.3 (MANE Select); 8 bases into the intron after coding-DNA position 1215, T replaced by C.
Molecular consequence: intron variant.
Genome position (GRCh38, 1-based): chr11:8,100,609, T>C. VCF-style: chr11-8100609-T-C. GRCh37 (hg19) VCF-style: chr11-8122156-T-C.
Other names: c.1380+8T>C (NM_003320.4, NM_003320.5).
Identifiers: ClinVar variation 1911434 (VCV001911434.6), dbSNP rs777605808, ClinGen allele CA597441460.